The following is an entry in ClinVar:

NM_000222.3(KIT):c.1879C>G (p.Pro627Ala)

Gene: KIT (KIT proto-oncogene, receptor tyrosine kinase; plus strand). Cytogenetic location: 4q12.
Variant type: single nucleotide variant.
Coding change: c.1879C>G on transcript NM_000222.3 (MANE Select); coding-DNA position 1879, C replaced by G.
Protein change: p.Pro627Ala; replaces proline 627 with alanine.
Molecular consequence: missense variant.
Genome position (GRCh38, 1-based): chr4:54,727,927, C>G. VCF-style: chr4-54727927-C-G. GRCh37 (hg19) VCF-style: chr4-55594093-C-G.
Other names: c.1867C>G, p.Pro623Ala (NM_001093772.2, NM_001385286.1); c.1882C>G, p.Pro628Ala (NM_001385284.1, NM_001385290.1); c.1879C>G, p.Pro627Ala (NM_001385285.1); c.1870C>G, p.Pro624Ala (NM_001385288.1, NM_001385292.1); short protein forms P627A, P628A, P623A, P624A.
Identifiers: ClinVar variation 3590594 (VCV003590594.2).

ClinVar aggregate classification (germline): Uncertain significance. Review status: criteria provided, multiple submitters, no conflicts (2 of 4 stars). 2 submissions from 2 submitters: Uncertain significance (2). Last evaluated 2026-02-06.

Conditions:
Hereditary cancer-predisposing syndrome. Also called: Neoplastic Syndromes, Hereditary; Tumor predisposition; Hereditary neoplastic syndrome; Hereditary Cancer Syndrome. Identifiers: Orphanet 140162, MedGen C0027672, MeSH D009386, MONDO:0015356.
Germ cell tumor of testis (TGCT). Also called: GERM CELL TUMOR, SOMATIC; Testicular germ cell tumor. Identifiers: Orphanet 363504, MedGen C1336708, MONDO:0010108, OMIM 273300.
Gastrointestinal stromal tumor. Also called: Gastrointestinal stromal tumor, somatic; Gastrointestinal stroma tumor. Identifiers: Orphanet 44890, MedGen C0238198, MeSH D046152, MONDO:0011719, OMIM 606764, HP:0100723.
Acute myeloid leukemia (AML). Also called: Acute myeloid leukemia, adult; AML adult; Acute non-lymphocytic leukemia; Acute granulocytic leukemia; Leukemia, acute myeloid, somatic; Leukemia, acute myelogenous, somatic. Identifiers: Orphanet 519, MedGen C0023467, MeSH D015470, MONDO:0018874, OMIM 601626, HP:0004808. Disease mechanism: Constitutively activated FLT3.
Cutaneous mastocytosis. Also called: MASTOCYTOSIS, MACULOPAPULAR CUTANEOUS. Identifiers: Orphanet 66646, MedGen C1136033, MONDO:0019023, OMIM 154800, HP:0200151.
Piebaldism. Also called: Piebald skin depigmentation. Identifiers: Orphanet 2884, MedGen C0080024, MONDO:0008244, OMIM 172800, HP:0007544.

Submissions (2):

Ambry Genetics
Classification: Uncertain significance for Hereditary cancer-predisposing syndrome. Last evaluated: 2026-02-06. Review status: criteria provided, single submitter. Criteria: Ambry Variant Classification Scheme 2023. Collection method: clinical testing. Allele origin: germline.
Comment: The p.P627A variant (also known as c.1879C>G), located in coding exon 12 of the KIT gene, results from a C to G substitution at nucleotide position 1879. The amino acid change results in proline to alanine at codon 627, an amino acid with highly similar properties. This amino acid position is well conserved in available vertebrate species. In addition, this alteration is predicted to be tolerated by in silico analysis. Based on the available evidence, the clinical significance of this variant remains unclear.

Fulgent Genetics
Classification: Uncertain significance for Cutaneous mastocytosis; Piebaldism; Germ cell tumor of testis; Acute myeloid leukemia; Gastrointestinal stromal tumor. Last evaluated: 2024-05-23. Review status: criteria provided, single submitter. Criteria: ACMG Guidelines, 2015. Collection method: clinical testing. Allele origin: germline.